The following is an entry in ClinVar:

ClinVar aggregate classification (germline): Uncertain significance (1 of 4 stars; one submission).

gnomAD v4.1: 1 of 1,559,236 alleles (0.000064%); highest among the groups gnomAD compares: Non-Finnish European, 0.000087%; no homozygotes.

Submission:

GeneDx
Classification: Uncertain significance. Last evaluated: 2024-04-01. Review status: criteria provided, single submitter. Criteria: GeneDx Variant Classification Process June 2021. Collection method: clinical testing. Allele origin: germline. Affected: yes.
Comment: Not observed at significant frequency in large population cohorts (gnomAD); In silico analysis supports that this missense variant has a deleterious effect on protein structure/function; Has not been previously published as pathogenic or benign to our knowledge

NM_021098.3(CACNA1H):c.5563G>A (p.Val1855Met)

Gene: CACNA1H (calcium voltage-gated channel subunit alpha1 H; plus strand). Cytogenetic location: 16p13.3.
Variant type: single nucleotide variant.
Coding change: c.5563G>A on transcript NM_021098.3 (MANE Select); coding-DNA position 5563, G replaced by A.
Protein change: p.Val1855Met; replaces valine 1855 with methionine.
Molecular consequence: missense variant.
Genome position (GRCh38, 1-based): chr16:1,218,327, G>A. VCF-style: chr16-1218327-G-A. GRCh37 (hg19) VCF-style: chr16-1268327-G-A.
Other names: c.5545G>A, p.Val1849Met (NM_001005407.2); short protein forms V1849M, V1855M.
Identifiers: ClinVar variation 3371747 (VCV003371747.1).